The following is an entry in ClinVar:

NM_016239.4(MYO15A):c.7654+1G>C

Gene: MYO15A (myosin XVA; plus strand). Cytogenetic location: 17p11.2.
Variant type: single nucleotide variant.
Coding change: c.7654+1G>C on transcript NM_016239.4 (MANE Select); the canonical splice donor site of the intron after coding-DNA position 7654, G replaced by C.
Molecular consequence: splice donor variant.
Genome position (GRCh38, 1-based): chr17:18,151,291, G>C. VCF-style: chr17-18151291-G-C. GRCh37 (hg19) VCF-style: chr17-18054605-G-C.
Identifiers: ClinVar variation 1342058 (VCV001342058.6), dbSNP rs1338603862, ClinGen allele CA398619517.

ClinVar aggregate classification (germline): Pathogenic/Likely pathogenic. Review status: criteria provided, multiple submitters, no conflicts (2 of 4 stars). 2 submissions from 2 submitters: Pathogenic (1); Likely pathogenic (1). Last evaluated 2024-07-16.

Allele frequency attached by ClinVar (database versions not stated): gnomAD exomes below 0.00001 and 0.00002; gnomAD 0.00001.
gnomAD v4.1: 32 of 1,614,084 alleles (0.002%); highest among the groups gnomAD compares: Non-Finnish European, 0.0027%; no homozygotes.

Submissions (2):

GeneDx
Classification: Pathogenic. Last evaluated: 2024-07-16. Review status: criteria provided, single submitter. Criteria: GeneDx Variant Classification Process June 2021. Collection method: clinical testing. Allele origin: germline. Affected: yes.
Comment: Canonical splice site variant predicted to result in a null allele in a gene for which loss of function is a known mechanism of disease; Not observed at significant frequency in large population cohorts (gnomAD); Has not been previously published as pathogenic or benign to our knowledge

Labcorp Genetics (formerly Invitae), Labcorp
Classification: Likely pathogenic. Last evaluated: 2023-02-01. Review status: criteria provided, single submitter. Criteria: Invitae Variant Classification Sherloc (09022015). Collection method: clinical testing. Allele origin: germline.
Comment: This sequence change affects a donor splice site in intron 39 of the MYO15A gene. It is expected to disrupt RNA splicing. Variants that disrupt the donor or acceptor splice site typically lead to a loss of protein function (PMID: 16199547), and loss-of-function variants in MYO15A are known to be pathogenic (PMID: 17546645). This variant is present in population databases (no rsID available, gnomAD 0.002%). This variant has not been reported in the literature in individuals affected with MYO15A-related conditions. ClinVar contains an entry for this variant (Variation ID: 1342058). Algorithms developed to predict the effect of sequence changes on RNA splicing suggest that this variant may disrupt the consensus splice site. In summary, the currently available evidence indicates that the variant is pathogenic, but additional data are needed to prove that conclusively. Therefore, this variant has been classified as Likely Pathogenic.

Literature cited by the submitters: PubMed 16199547 (cited by Labcorp Genetics (formerly Invitae), Labcorp); PubMed 17546645 (cited by Labcorp Genetics (formerly Invitae), Labcorp).